The following is an entry in ClinVar:

NM_018010.4(IFT57):c.1193A>G (p.Glu398Gly)

Gene: IFT57 (intraflagellar transport 57; minus strand). Cytogenetic location: 3q13.12.
Variant type: single nucleotide variant.
Coding change: c.1193A>G on transcript NM_018010.4 (MANE Select); coding-DNA position 1193, A replaced by G.
Protein change: p.Glu398Gly; replaces glutamic acid 398 with glycine.
Molecular consequence: missense variant.
Genome position (GRCh38, 1-based): chr3:108,162,574, T>C on the plus strand (A>G on the coding strand, the complement: IFT57 is on the minus strand). VCF-style: chr3-108162574-T-C. GRCh37 (hg19) VCF-style: chr3-107881421-T-C.
Other names: short protein forms E398G.
Identifiers: ClinVar variation 2820156 (VCV002820156.3), dbSNP rs2080039725, ClinGen allele CA353912926.

ClinVar aggregate classification (germline): Uncertain significance (1 of 4 stars; one submission).

Submission:

Labcorp Genetics (formerly Invitae), Labcorp
Classification: Uncertain significance. Last evaluated: 2022-12-14. Review status: criteria provided, single submitter. Criteria: Invitae Variant Classification Sherloc (09022015). Collection method: clinical testing. Allele origin: germline.
Comment: This variant is not present in population databases (gnomAD no frequency). This sequence change replaces glutamic acid, which is acidic and polar, with glycine, which is neutral and non-polar, at codon 398 of the IFT57 protein (p.Glu398Gly). This variant has not been reported in the literature in individuals affected with IFT57-related conditions. Algorithms developed to predict the effect of missense changes on protein structure and function (SIFT, PolyPhen-2, Align-GVGD) all suggest that this variant is likely to be tolerated. In summary, the available evidence is currently insufficient to determine the role of this variant in disease. Therefore, it has been classified as a Variant of Uncertain Significance.